The following is an entry in ClinVar:

NM_003239.5(TGFB3):c.1064A>G (p.Asp355Gly)

Gene: TGFB3 (transforming growth factor beta 3; minus strand). Cytogenetic location: 14q24.3.
Variant type: single nucleotide variant.
Coding change: c.1064A>G on transcript NM_003239.5 (MANE Select); coding-DNA position 1064, A replaced by G.
Protein change: p.Asp355Gly; replaces aspartic acid 355 with glycine.
Molecular consequence: missense variant.
Genome position (GRCh38, 1-based): chr14:75,960,939, T>C on the plus strand (A>G on the coding strand, the complement: TGFB3 is on the minus strand). VCF-style: chr14-75960939-T-C. GRCh37 (hg19) VCF-style: chr14-76427282-T-C.
Other names: c.1064A>G, p.Asp355Gly (NM_001329939.2); short protein forms D355G.
Identifiers: ClinVar variation 840650 (VCV000840650.7), dbSNP rs2035148476, ClinGen allele CA390467614.

ClinVar aggregate classification (germline): Uncertain significance (1 of 4 stars; one submission).

Conditions:
Rienhoff syndrome. Also called: LOEYS-DIETZ SYNDROME 5. Identifiers: MedGen C3810012, MONDO:0014262, OMIM 615582.

Submission:

Labcorp Genetics (formerly Invitae), Labcorp
Classification: Uncertain significance for Rienhoff syndrome. Last evaluated: 2023-12-13. Review status: criteria provided, single submitter. Criteria: Invitae Variant Classification Sherloc (09022015). Collection method: clinical testing. Allele origin: germline.
Comment: This sequence change replaces aspartic acid, which is acidic and polar, with glycine, which is neutral and non-polar, at codon 355 of the TGFB3 protein (p.Asp355Gly). This variant is not present in population databases (gnomAD no frequency). This variant has not been reported in the literature in individuals affected with TGFB3-related conditions. ClinVar contains an entry for this variant (Variation ID: 840650). Advanced modeling of protein sequence and biophysical properties (such as structural, functional, and spatial information, amino acid conservation, physicochemical variation, residue mobility, and thermodynamic stability) performed at Invitae indicates that this missense variant is not expected to disrupt TGFB3 protein function with a negative predictive value of 80%. In summary, the available evidence is currently insufficient to determine the role of this variant in disease. Therefore, it has been classified as a Variant of Uncertain Significance.